The following continues an entry in ClinVar:

NM_000492.4(CFTR):c.178G>T (p.Glu60Ter)

ClinVar aggregate classification (germline): Pathogenic. Pathogenic (1).

Submissions 12 to 22 of 22:

Johns Hopkins Genomics, Johns Hopkins University
Classification: Pathogenic for Cystic fibrosis. Last evaluated: 2022-08-20. Review status: criteria provided, single submitter. Criteria: ACMG Guidelines, 2015. Collection method: clinical testing. Allele origin: germline. Not counted in ClinVar's aggregate classification.
Comment: Disease-causing CFTR variant. See CFTR2 for phenotype information.

Fulgent Genetics
Classification: Pathogenic for Hereditary pancreatitis; Bronchiectasis with or without elevated sweat chloride 1; Cystic fibrosis; Congenital bilateral aplasia of vas deferens from CFTR mutation. Last evaluated: 2021-11-05. Review status: criteria provided, single submitter. Criteria: ACMG Guidelines, 2015. Collection method: clinical testing. Allele origin: unknown. Not counted in ClinVar's aggregate classification.

Quest Diagnostics Nichols Institute San Juan Capistrano
Classification: Pathogenic. Last evaluated: 2020-11-12. Review status: criteria provided, single submitter. Criteria: Quest Diagnostics criteria. Collection method: clinical testing. Allele origin: unknown. Not counted in ClinVar's aggregate classification.
Comment: The nonsense variant causes the premature termination of CFTR protein synthesis. It has been reported in individuals affected with cystic fibrosis and CFTR-related diseases in the published literature (PMIDs: 15698945 (2004), 15776432 (2005), and 18456578 (2008)). Variant was found to occur in 3 or more cases with a lone recessive pathogenic/likely pathogenic variant in the same gene and is damaging to protein function(s) relevant to disease mechanism (PMID 7541274). Therefore, the variant is classified as pathogenic.

Myriad Genetics, Inc.
Classification: Pathogenic for Cystic fibrosis. Last evaluated: 2019-12-09. Review status: criteria provided, single submitter. Criteria: Myriad Women's Health Autosomal Recessive and X-Linked Classification Criteria (2019). Collection method: clinical testing. Allele origin: unknown. Not counted in ClinVar's aggregate classification.
Comment: NM_000492.3(CFTR):c.178G>T(E60*) is classified as pathogenic in the context of cystic fibrosis and is associated with the classic form of this disease. Sources cited for classification include the following: PMID 7541274, 9806422, 22658665, 1284534, 18456578 and 23974870. Classification of NM_000492.3(CFTR):c.178G>T(E60*) is based on the following criteria: The variant causes a premature termination codon that is expected to be targeted by nonsense-mediated mRNA decay and is reported in individuals with the relevant phenotype. Please note: this variant was assessed in the context of healthy population screening.

Genome Diagnostics Laboratory, The Hospital for Sick Children
Classification: Pathogenic for Cystic fibrosis. Last evaluated: 2019-08-01. Review status: criteria provided, single submitter. Criteria: ACMG Guidelines, 2015. Collection method: clinical testing. Allele origin: germline. Not counted in ClinVar's aggregate classification.

CFTR-France
Classification: Pathogenic for cystic fibrosis. Last evaluated: 2018-01-29. Review status: criteria provided, single submitter. Criteria: Claustres M et al. (Hum Mutat 2017). Collection method: curation. Allele origin: germline. Affected: yes. Not counted in ClinVar's aggregate classification.

Baylor Genetics
Classification: Pathogenic for Congenital bilateral aplasia of vas deferens from CFTR mutation; Cystic fibrosis. Review status: criteria provided, single submitter. Criteria: ACMG Guidelines, 2015. Collection method: clinical testing. Allele origin: germline. Not counted in ClinVar's aggregate classification.

Genome Diagnostics Laboratory, The Hospital for Sick Children
Classification: Pathogenic for CFTR-related disorders. Last evaluated: 2019-08-01. Review status: no assertion criteria provided. Collection method: clinical testing. Allele origin: germline. Not counted in ClinVar's aggregate classification.

Clinical Genetics DNA and cytogenetics Diagnostics Lab, Erasmus MC, Erasmus Medical Center
Classification: Pathogenic. Review status: no assertion criteria provided. Collection method: clinical testing. Allele origin: germline. Affected: yes. Study: VKGL Data-share Consensus. Not counted in ClinVar's aggregate classification.

Diagnostic Laboratory, Department of Genetics, University Medical Center Groningen
Classification: Pathogenic. Review status: no assertion criteria provided. Collection method: clinical testing. Allele origin: germline. Affected: yes. Study: VKGL Data-share Consensus. Not counted in ClinVar's aggregate classification.

Joint Genome Diagnostic Labs from Nijmegen and Maastricht, Radboudumc and MUMC+
Classification: Pathogenic. Review status: no assertion criteria provided. Collection method: clinical testing. Allele origin: germline. Affected: yes. Study: VKGL Data-share Consensus. Not counted in ClinVar's aggregate classification.

Literature cited by the submitters: PubMed 21354377 (cited by Natera, Inc.); PubMed 1284534 (cited by 4 submitters); PubMed 23420618 (cited by Ambry Genetics); PubMed 23974870 (cited by 4 submitters); PubMed 1695717 (cited by Labcorp Genetics (formerly Invitae), Labcorp); PubMed 7691345 (cited by Labcorp Genetics (formerly Invitae), Labcorp); PubMed 9725922 (cited by Labcorp Genetics (formerly Invitae), Labcorp); PubMed 1537190 (cited by Labcorp Genetics (formerly Invitae), Labcorp); PubMed 7541274 (cited by 5 submitters); PubMed 8477260 (cited by Labcorp Genetics (formerly Invitae), Labcorp); PubMed 11788090 (cited by Labcorp Genetics (formerly Invitae), Labcorp and Women's Health and Genetics/Laboratory Corporation of America, LabCorp); PubMed 15698945 (cited by 4 submitters); PubMed 7508414 (cited by Women's Health and Genetics/Laboratory Corporation of America, LabCorp); PubMed 18456578 (cited by Quest Diagnostics Nichols Institute San Juan Capistrano and Myriad Genetics, Inc.); PubMed 15776432 (cited by Quest Diagnostics Nichols Institute San Juan Capistrano); PubMed 20932301 (cited by Quest Diagnostics Nichols Institute San Juan Capistrano); PubMed 9806422 (cited by Quest Diagnostics Nichols Institute San Juan Capistrano and Myriad Genetics, Inc.); PubMed 29261177 (cited by Quest Diagnostics Nichols Institute San Juan Capistrano); PubMed 30444886 (cited by Quest Diagnostics Nichols Institute San Juan Capistrano); PubMed 25525159 (cited by Quest Diagnostics Nichols Institute San Juan Capistrano); PubMed 22658665 (cited by Myriad Genetics, Inc.).